The following is an entry in ClinVar:

NM_001374828.1(ARID1B):c.2011G>A (p.Gly671Ser)

Gene: ARID1B (AT-rich interaction domain 1B; plus strand). Cytogenetic location: 6q25.3.
Variant type: single nucleotide variant.
Coding change: c.2011G>A on transcript NM_001374828.1 (MANE Select); coding-DNA position 2011, G replaced by A.
Protein change: p.Gly671Ser; replaces glycine 671 with serine.
Molecular consequence: missense variant.
Genome position (GRCh38, 1-based): chr6:156,901,400, G>A. VCF-style: chr6-156901400-G-A. GRCh37 (hg19) VCF-style: chr6-157222534-G-A.
Other names: c.1801G>A (NM_020732.3); c.2050G>A, p.Gly684Ser (NM_001371656.1, NM_001374820.1); c.2011G>A, p.Gly671Ser (NM_017519.3); short protein forms G671S, G684S.
Identifiers: ClinVar variation 1314444 (VCV001314444.2), dbSNP rs1349709189, ClinGen allele CA366380651.

ClinVar aggregate classification (germline): Uncertain significance (1 of 4 stars; one submission).

Allele frequency attached by ClinVar (database versions not stated): gnomAD exomes below 0.00001; gnomAD 0.00001; TOPMed 0.00001.
gnomAD v4.1: 3 of 1,614,022 alleles (0.00019%); highest among the groups gnomAD compares: South Asian, 0.0022%; 1 homozygote.

Submission:

GeneDx
Classification: Uncertain significance. Last evaluated: 2021-04-12. Review status: criteria provided, single submitter. Criteria: GeneDx Variant Classification Process June 2021. Collection method: clinical testing. Allele origin: germline. Affected: yes.
Comment: Not observed in large population cohorts (Lek et al., 2016); In silico analysis, which includes splice predictors and evolutionary conservation, suggests this variant may impact gene splicing. In the absence of RNA/functional studies, the actual effect of this sequence change is unknown.; In silico analysis supports that this missense variant has a deleterious effect on protein structure/function; Has not been previously published as pathogenic or benign to our knowledge